The following is an entry in ClinVar:

ClinVar aggregate classification (germline): Uncertain significance (1 of 4 stars; one submission).

Conditions:
Long QT syndrome (LQTS). Identifiers: MedGen C0023976, MeSH D008133, MONDO:0002442. Disease mechanism: loss of function. Inheritance: Various modes of inheritance.

Allele frequency attached by ClinVar (database versions not stated): gnomAD exomes 0.00001.
gnomAD v4.1: 13 of 1,613,942 alleles (0.00081%); highest among the groups gnomAD compares: Non-Finnish European, 0.0011%; no homozygotes.

Submission:

Labcorp Genetics (formerly Invitae), Labcorp
Classification: Uncertain significance for Long QT syndrome. Last evaluated: 2024-02-17. Review status: criteria provided, single submitter. Criteria: Invitae Variant Classification Sherloc (09022015). Collection method: clinical testing. Allele origin: germline.
Comment: This sequence change replaces asparagine, which is neutral and polar, with serine, which is neutral and polar, at codon 2989 of the AKAP9 protein (p.Asn2989Ser). This variant is not present in population databases (gnomAD no frequency). This variant has not been reported in the literature in individuals affected with AKAP9-related conditions. ClinVar contains an entry for this variant (Variation ID: 1472176). Algorithms developed to predict the effect of missense changes on protein structure and function output the following: SIFT: "Not Available"; PolyPhen-2: "Benign"; Align-GVGD: "Not Available". The serine amino acid residue is found in multiple mammalian species, which suggests that this missense change does not adversely affect protein function. In summary, the available evidence is currently insufficient to determine the role of this variant in disease. Therefore, it has been classified as a Variant of Uncertain Significance.

NM_005751.5(AKAP9):c.8966A>G (p.Asn2989Ser)

Gene: AKAP9 (A-kinase anchoring protein 9; plus strand). Cytogenetic location: 7q21.2.
Variant type: single nucleotide variant.
Coding change: c.8966A>G on transcript NM_005751.5 (MANE Select); coding-DNA position 8966, A replaced by G.
Protein change: p.Asn2989Ser; replaces asparagine 2989 with serine.
Molecular consequence: missense variant.
Genome position (GRCh38, 1-based): chr7:92,085,628, A>G. VCF-style: chr7-92085628-A-G. GRCh37 (hg19) VCF-style: chr7-91714942-A-G.
Other names: c.3611A>G, p.Asn1204Ser (NM_001379277.1); c.8942A>G, p.Asn2981Ser (NM_147185.3); short protein forms N1204S, N2989S, N2981S.
Identifiers: ClinVar variation 1472176 (VCV001472176.6), dbSNP rs2130875812, ClinGen allele CA368143083.